The following is an entry in ClinVar:

ClinVar aggregate classification (germline): Uncertain significance. Review status: criteria provided, multiple submitters, no conflicts (2 of 4 stars). 2 submissions from 2 submitters: Uncertain significance (2). Last evaluated 2023-08-10.

Conditions:
Episodic kinesigenic dyskinesia (EKD). Also called: Paroxysmal kinesigenic dyskinesia. Identifiers: Orphanet 98809, MedGen C1868682, MONDO:0044202.

gnomAD v4.1: 1 of 1,614,096 alleles (0.000062%); highest among the groups gnomAD compares: Non-Finnish European, 0.000085%; no homozygotes.

Submissions (2):

Labcorp Genetics (formerly Invitae), Labcorp
Classification: Uncertain significance for Episodic kinesigenic dyskinesia. Last evaluated: 2023-08-10. Review status: criteria provided, single submitter. Criteria: Invitae Variant Classification Sherloc (09022015). Collection method: clinical testing. Allele origin: germline.
Comment: This sequence change replaces leucine, which is neutral and non-polar, with valine, which is neutral and non-polar, at codon 87 of the PRRT2 protein (p.Leu87Val). This variant is not present in population databases (gnomAD no frequency). This variant has not been reported in the literature in individuals affected with PRRT2-related conditions. ClinVar contains an entry for this variant (Variation ID: 646541). Advanced modeling of protein sequence and biophysical properties (such as structural, functional, and spatial information, amino acid conservation, physicochemical variation, residue mobility, and thermodynamic stability) performed at Invitae indicates that this missense variant is not expected to disrupt PRRT2 protein function. In summary, the available evidence is currently insufficient to determine the role of this variant in disease. Therefore, it has been classified as a Variant of Uncertain Significance.

GeneDx
Classification: Uncertain significance. Last evaluated: 2023-02-20. Review status: criteria provided, single submitter. Criteria: GeneDx Variant Classification Process June 2021. Collection method: clinical testing. Allele origin: germline. Affected: yes.
Comment: Not observed at significant frequency in large population cohorts (gnomAD); In silico analysis supports that this missense variant does not alter protein structure/function; Has not been previously published as pathogenic or benign to our knowledge

NM_145239.3(PRRT2):c.259C>G (p.Leu87Val)

Genes: MVP-DT (MVP divergent transcript; minus strand), PRRT2 (proline rich transmembrane protein 2; plus strand). Cytogenetic location: 16p11.2.
Variant type: single nucleotide variant.
Coding change: c.259C>G on transcript NM_145239.3 (MANE Select); coding-DNA position 259, C replaced by G.
Protein change: p.Leu87Val; replaces leucine 87 with valine.
Molecular consequence: missense variant.
Genome position (GRCh38, 1-based): chr16:29,813,313, C>G. VCF-style: chr16-29813313-C-G. GRCh37 (hg19) VCF-style: chr16-29824634-C-G.
Other names: c.259C>G, p.Leu87Val (NM_001256442.2, NM_001256443.2); short protein forms L87V.
Identifiers: ClinVar variation 646541 (VCV000646541.9), dbSNP rs1596890511, ClinGen allele CA395477894.
Genomic context (GRCh38, chr16:29,813,313, plus strand): 5'-CTGGCTCCAGAAACCACAGAGACCCCGGCTGGGGCCTCAGAAACAGCCCAGGCCACAGAC[C>G]TCAGCTTAAGCCCAGGAGGGGAATCAAAGGCCAACTGCAGCCCCGAAGACCCATGCCAAG-3'
Protein context (NP_660282.2, residues 77-97): GASETAQATD[Leu87Val]SLSPGGESKA